The following is an entry in ClinVar:

ClinVar aggregate classification (germline): Uncertain significance (1 of 4 stars; one submission).

Conditions:
Primary ciliary dyskinesia 23 (CILD23). Also called: CILIARY DYSKINESIA, PRIMARY, 23, WITH OR WITHOUT SITUS INVERSUS. Identifiers: Orphanet 244, MedGen C3809548, MONDO:0014193, OMIM 615451.

Allele frequency attached by ClinVar (database versions not stated): gnomAD exomes below 0.00001; gnomAD 0.00001; TOPMed 0.00002.

Submission:

Labcorp Genetics (formerly Invitae), Labcorp
Classification: Uncertain significance for Primary ciliary dyskinesia 23. Last evaluated: 2022-07-26. Review status: criteria provided, single submitter. Criteria: Invitae Variant Classification Sherloc (09022015). Collection method: clinical testing. Allele origin: germline.
Comment: This sequence change replaces serine, which is neutral and polar, with cysteine, which is neutral and slightly polar, at codon 95 of the ARMC4 protein (p.Ser95Cys). This variant is present in population databases (no rsID available, gnomAD 0.003%). This variant has not been reported in the literature in individuals affected with ARMC4-related conditions. Algorithms developed to predict the effect of missense changes on protein structure and function are either unavailable or do not agree on the potential impact of this missense change (SIFT: "Deleterious"; PolyPhen-2: "Benign"; Align-GVGD: "Class C0"). In summary, the available evidence is currently insufficient to determine the role of this variant in disease. Therefore, it has been classified as a Variant of Uncertain Significance.

NM_018076.5(ODAD2):c.284C>G (p.Ser95Cys)

Gene: ODAD2 (outer dynein arm docking complex subunit 2; minus strand). Cytogenetic location: 10p12.1.
Variant type: single nucleotide variant.
Coding change: c.284C>G on transcript NM_018076.5 (MANE Select); coding-DNA position 284, C replaced by G.
Protein change: p.Ser95Cys; replaces serine 95 with cysteine.
Molecular consequence: missense variant.
Genome position (GRCh38, 1-based): chr10:27,987,484, G>C on the plus strand (C>G on the coding strand, the complement: ODAD2 is on the minus strand). VCF-style: chr10-27987484-G-C. GRCh37 (hg19) VCF-style: chr10-28276413-G-C.
Other names: c.284C>G, p.Ser95Cys (NM_001290020.2); short protein forms S95C.
Identifiers: ClinVar variation 2415301 (VCV002415301.3), dbSNP rs1336349347, ClinGen allele CA376397681.